The following is an entry in ClinVar:

NM_020442.6(VARS2):c.2107-22CTT[2]

Genes: VARS2 (valyl-tRNA synthetase 2, mitochondrial; plus strand), LOC126859646 (MED14-independent group 3 enhancer GRCh37_chr6:30889690-30890889; plus strand). Cytogenetic location: 6p21.33.
Variant type: Microsatellite.
Coding change: c.2107-22CTT[2] on transcript NM_020442.6 (MANE Select); two copies in a row of the 3-base unit CTT starting at c.2107-22.
Molecular consequence: intron variant.
Genome position: GRCh38 VCF-style: chr6-30922875-CCTT-C. GRCh37 (hg19) VCF-style: chr6-30890652-CCTT-C.
Other names: NC_000006.11:g.30890660_30890662del; c.2197-22CTT[2] (NM_001167734.2); c.1687-22CTT[2] (NM_001167733.3); c.2107-15_2107-13del (NM_020442.6).
Identifiers: ClinVar variation 1168636 (VCV001168636.27), dbSNP rs540706100, ClinGen allele CA3706177.

ClinVar aggregate classification (germline): Benign/Likely benign. Review status: criteria provided, multiple submitters, no conflicts (2 of 4 stars). 3 submissions from 3 submitters: Benign (2); Likely benign (1). Last evaluated 2026-09-01.

Submissions (7):

CeGaT Center for Human Genetics Tuebingen
Classification: Likely benign. Last evaluated: 2026-09-01. Review status: criteria provided, single submitter. Criteria: CeGaT Center For Human Genetics Tuebingen Variant Classification Criteria Version 2. Collection method: clinical testing. Allele origin: germline. Affected: yes. Observed: 21 variant alleles.
Comment: VARS2: BS2

Labcorp Genetics (formerly Invitae), Labcorp
Classification: Benign. Last evaluated: 2026-02-01. Review status: criteria provided, single submitter. Criteria: Invitae Variant Classification Sherloc (09022015). Collection method: clinical testing. Allele origin: germline.

GeneDx
Classification: Benign. Last evaluated: 2016-04-11. Review status: criteria provided, single submitter. Criteria: GeneDx Variant Classification Process June 2021. Collection method: clinical testing. Allele origin: germline. Affected: yes.

Dr. Peter K. Rogan Lab, Western University
No classification provided (evidence only). Condition: Gastric cancer. Review status: no classification provided. Collection method: in vitro. Allele origin: not applicable. Functional consequence: retained intron. Not counted in ClinVar's aggregate classification.

Dr. Peter K. Rogan Lab, Western University
No classification provided (evidence only). Condition: Malignant tumor of esophagus. Review status: no classification provided. Collection method: in vitro. Allele origin: not applicable. Functional consequence: retained intron. Not counted in ClinVar's aggregate classification.

Dr. Peter K. Rogan Lab, Western University
No classification provided (evidence only). Condition: Malignant tumor of esophagus. Review status: no classification provided. Collection method: in vitro. Allele origin: not applicable. Functional consequence: retained intron. Not counted in ClinVar's aggregate classification.

Dr. Peter K. Rogan Lab, Western University
No classification provided (evidence only). Condition: Nonpapillary renal cell carcinoma. Review status: no classification provided. Collection method: in vitro. Allele origin: not applicable. Functional consequence: retained intron. Not counted in ClinVar's aggregate classification.